The following is an entry in ClinVar:

ClinVar aggregate classification (germline): Conflicting classifications of pathogenicity. Review status: criteria provided, conflicting classifications (1 of 4 stars). 3 submissions from 3 submitters: Uncertain significance (2); Likely benign (1). Last evaluated 2026-05-13.

Conditions:
IHH-related disorder. Also called: IHH-related condition.

Submissions (3):

Women's Health and Genetics/Laboratory Corporation of America, LabCorp
Classification: Uncertain significance. Last evaluated: 2026-05-13. Review status: criteria provided, single submitter. Criteria: LabCorp Variant Classification Summary - May 2015. Collection method: clinical testing. Allele origin: germline.

PreventionGenetics, part of Exact Sciences
Classification: Likely benign for IHH-related condition. Last evaluated: 2025-07-23. Review status: criteria provided, single submitter. Criteria: ACMG Guidelines, 2015. Collection method: clinical testing. Allele origin: germline.
Comment: This variant is classified as likely benign based on ACMG/AMP sequence variant interpretation guidelines (Richards et al. 2015 PMID: 25741868, with internal and published modifications).

GeneDx
Classification: Uncertain significance. Last evaluated: 2023-09-25. Review status: criteria provided, single submitter. Criteria: GeneDx Variant Classification Process June 2021. Collection method: clinical testing. Allele origin: germline. Affected: yes.
Comment: Analysis suggests this variant may impact the protein. In the absence of functional studies, the actual effect of this sequence change is unknown.; Has not been previously published as pathogenic or benign to our knowledge

NM_002181.4(IHH):c.-5del

Gene: IHH (Indian hedgehog signaling molecule; minus strand). Cytogenetic location: 2q35.
Variant type: Deletion.
Coding change: c.-5del on transcript NM_002181.4 (MANE Select); 5 bases upstream of the start codon, one base deleted (C; older notation c.-5delC).
Molecular consequence: 5 prime UTR variant.
Genome position (GRCh38, 1-based): chr2:219,060,472, G deleted on the plus strand (C on the coding strand, the reverse complement: IHH is on the minus strand); the first of 4 consecutive G bases (chr2:219,060,472-219,060,475); deleting any one gives the same sequence. VCF-style (leftmost placement, unchanged base first): chr2-219060471-CG-C. GRCh37 (hg19) VCF-style: chr2-219925193-CG-C.
Other names: c.-5delC (NM_002181.3, NM_002181.4).
Identifiers: ClinVar variation 3342441 (VCV003342441.3).
Genomic context (GRCh38, chr2:219,060,471, plus strand): 5'-CAGCAGCAACAGGACCAGGCAGAAGTGCAGTCGGGGCCGGAGCCGGGCGGGAGACATGGC[CG>C]GGGAGCCCGGGGGAGCGGCGGGCGAGGTCTCCTGGTGGGCTGATGGGCAGGCGCGTCGAC-3'